The following is an entry in ClinVar:

ClinVar aggregate classification (germline): Pathogenic (1 of 4 stars; one submission).

Allele frequency attached by ClinVar (database versions not stated): gnomAD exomes below 0.00001; ExAC 0.00001.

Submission:

Labcorp Genetics (formerly Invitae), Labcorp
Classification: Pathogenic. Last evaluated: 2022-09-10. Review status: criteria provided, single submitter. Criteria: Invitae Variant Classification Sherloc (09022015). Collection method: clinical testing. Allele origin: germline.
Comment: This variant is present in population databases (rs764858516, gnomAD 0.0009%). For these reasons, this variant has been classified as Pathogenic. Algorithms developed to predict the effect of sequence changes on RNA splicing suggest that this variant may create or strengthen a splice site. ClinVar contains an entry for this variant (Variation ID: 1440040). This variant has not been reported in the literature in individuals affected with CUL7-related conditions. This sequence change creates a premature translational stop signal (p.Ser262*) in the CUL7 gene. It is expected to result in an absent or disrupted protein product. Loss-of-function variants in CUL7 are known to be pathogenic (PMID: 16142236, 17675530, 19225462).

Literature cited by the submitters: PubMed 16142236; PubMed 17675530; PubMed 19225462.

NM_014780.5(CUL7):c.785C>A (p.Ser262Ter)

Gene: CUL7 (cullin 7; minus strand). Cytogenetic location: 6p21.1.
Variant type: single nucleotide variant.
Coding change: c.785C>A on transcript NM_014780.5 (MANE Select); coding-DNA position 785, C replaced by A.
Protein change: p.Ser262Ter; replaces serine 262 with a stop codon.
Molecular consequence: nonsense.
Genome position (GRCh38, 1-based): chr6:43,051,416, G>T on the plus strand (C>A on the coding strand, the complement: CUL7 is on the minus strand). VCF-style: chr6-43051416-G-T. GRCh37 (hg19) VCF-style: chr6-43019154-G-T.
Other names: c.881C>A, p.Ser294Ter (NM_001168370.2, NM_001374872.1); c.785C>A, p.Ser262Ter (NM_001374873.1, NM_001374874.1); short protein forms S294*, S262*.
Identifiers: ClinVar variation 1440040 (VCV001440040.6), dbSNP rs764858516, ClinGen allele CA3814299.